The following is an entry in ClinVar:

NM_152564.5(VPS13B):c.9337C>T (p.Arg3113Cys)

Gene: VPS13B (vacuolar protein sorting 13 homolog B; plus strand). Cytogenetic location: 8q22.2.
Variant type: single nucleotide variant.
Coding change: c.9337C>T on transcript NM_152564.5 (MANE Select); coding-DNA position 9337, C replaced by T.
Protein change: p.Arg3113Cys; replaces arginine 3113 with cysteine.
Molecular consequence: missense variant.
Genome position (GRCh38, 1-based): chr8:99,832,375, C>T. VCF-style: chr8-99832375-C-T. GRCh37 (hg19) VCF-style: chr8-100844603-C-T.
Other names: c.9412C>T, p.Arg3138Cys (NM_017890.5); short protein forms R3113C, R3138C.
Identifiers: ClinVar variation 2188293 (VCV002188293.2), dbSNP rs766896327, ClinGen allele CA4824690.

ClinVar aggregate classification (germline): Conflicting classifications of pathogenicity. Review status: criteria provided, conflicting classifications (1 of 4 stars). 2 submissions from 2 submitters: Uncertain significance (1); Likely benign (1). Last evaluated 2024-05-23.

Conditions:
Cohen syndrome (COH1). Also called: Cutis verticis gyrata, retinitis pigmentosa, and sensorineural deafness; PEPPER SYNDROME. Identifiers: Orphanet 193, MedGen C0265223, MONDO:0008999, OMIM 216550.

Allele frequency attached by ClinVar (database versions not stated): ExAC 0.01274.

Submissions (2):

Blueprint Genetics
Classification: Likely benign. Last evaluated: 2024-05-23. Review status: criteria provided, single submitter. Criteria: ACMG Guidelines, 2015. Collection method: clinical testing. Allele origin: germline.

Labcorp Genetics (formerly Invitae), Labcorp
Classification: Uncertain significance for Cohen syndrome. Last evaluated: 2022-09-12. Review status: criteria provided, single submitter. Criteria: Invitae Variant Classification Sherloc (09022015). Collection method: clinical testing. Allele origin: germline.
Comment: This sequence change replaces arginine, which is basic and polar, with cysteine, which is neutral and slightly polar, at codon 3138 of the VPS13B protein (p.Arg3138Cys). The frequency data for this variant in the population databases is considered unreliable, as metrics indicate poor data quality at this position in the gnomAD database. This variant has not been reported in the literature in individuals affected with VPS13B-related conditions. Advanced modeling of protein sequence and biophysical properties (such as structural, functional, and spatial information, amino acid conservation, physicochemical variation, residue mobility, and thermodynamic stability) performed at Invitae indicates that this missense variant is not expected to disrupt VPS13B protein function. In summary, the available evidence is currently insufficient to determine the role of this variant in disease. Therefore, it has been classified as a Variant of Uncertain Significance.